The following is an entry in ClinVar:

NM_001012338.3(NTRK3):c.1229-28CCT[2]

Gene: NTRK3 (neurotrophic receptor tyrosine kinase 3; minus strand). Cytogenetic location: 15q25.3.
Variant type: Microsatellite.
Coding change: c.1229-28CCT[2] on transcript NM_001012338.3 (MANE Select); two copies in a row of the 3-base unit CCT starting at c.1229-28; the reference has three copies in a row; one copy, 3 bases deleted.
Molecular consequence: intron variant.
Genome position (GRCh38, 1-based): chr15:88,127,246-88,127,248, AGG deleted on the plus strand (CCT on the coding strand, the reverse complement: NTRK3 is on the minus strand); deleting any 3 consecutive bases within chr15:88,127,246-88,127,255 gives the same sequence; the position shown is the placement nearest the transcript's 3' end. VCF-style (leftmost placement, unchanged base first): chr15-88127245-AAGG-A. GRCh37 (hg19) VCF-style: chr15-88670476-AAGG-A.
Other names: c.1205-28CCT[2] (NM_001375812.1, NM_001375814.1, NM_001243101.2); c.1229-28CCT[2] (NM_001375811.1, NM_001375810.1, NM_001007156.3 and 3 more transcripts); c.935-28CCT[2] (NM_001320135.2).
Identifiers: ClinVar variation 4280733 (VCV004280733.7).

ClinVar aggregate classification (germline): Likely benign (1 of 4 stars; one submission).

Submission:

CeGaT Center for Human Genetics Tuebingen
Classification: Likely benign. Last evaluated: 2025-09-01. Review status: criteria provided, single submitter. Criteria: CeGaT Center For Human Genetics Tuebingen Variant Classification Criteria Version 2. Collection method: clinical testing. Allele origin: germline. Affected: yes. Observed: 1 variant allele.
Comment: NTRK3: BS2